The following is an entry in ClinVar:

ClinVar aggregate classification (germline): Conflicting classifications of pathogenicity. Review status: criteria provided, conflicting classifications (1 of 4 stars). 4 submissions from 4 submitters: Uncertain significance (3); Likely benign (1). Last evaluated 2026-01-26.

Allele frequency attached by ClinVar (database versions not stated): gnomAD 0.00040 and 0.00045; ESP Exome Variant Server 0.00031.

Submissions (4):

Labcorp Genetics (formerly Invitae), Labcorp
Classification: Uncertain significance. Last evaluated: 2026-01-26. Review status: criteria provided, single submitter. Criteria: Invitae Variant Classification Sherloc (09022015). Collection method: clinical testing. Allele origin: germline.
Comment: This sequence change replaces alanine, which is neutral and non-polar, with threonine, which is neutral and polar, at codon 15 of the MARS2 protein (p.Ala15Thr). This variant is present in population databases (rs145171191, gnomAD 0.06%), and has an allele count higher than expected for a pathogenic variant. This variant has not been reported in the literature in individuals affected with MARS2-related conditions. ClinVar contains an entry for this variant (Variation ID: 1195683). An algorithm developed to predict the effect of missense changes on protein structure and function outputs the following: PolyPhen-2: "Benign". The threonine amino acid residue is found in multiple mammalian species, which suggests that this missense change does not adversely affect protein function. In summary, the available evidence is currently insufficient to determine the role of this variant in disease. Therefore, it has been classified as a Variant of Uncertain Significance.

Blueprint Genetics
Classification: Uncertain significance. Last evaluated: 2024-10-25. Review status: criteria provided, single submitter. Criteria: ACMG Guidelines, 2015. Collection method: clinical testing. Allele origin: germline.

GeneDx
Classification: Uncertain significance. Last evaluated: 2024-03-27. Review status: criteria provided, single submitter. Criteria: GeneDx Variant Classification Process June 2021. Collection method: clinical testing. Allele origin: germline. Affected: yes.
Comment: In silico analysis supports that this missense variant does not alter protein structure/function; Has not been previously published as pathogenic or benign to our knowledge

CeGaT Center for Human Genetics Tuebingen
Classification: Likely benign. Last evaluated: 2023-10-01. Review status: criteria provided, single submitter. Criteria: CeGaT Center For Human Genetics Tuebingen Variant Classification Criteria Version 2. Collection method: clinical testing. Allele origin: germline. Affected: yes. Observed: 2 variant alleles.
Comment: MARS2: BP4

NM_138395.4(MARS2):c.43G>A (p.Ala15Thr)

Gene: MARS2 (methionyl-tRNA synthetase 2, mitochondrial; plus strand). Cytogenetic location: 2q33.1.
Variant type: single nucleotide variant.
Coding change: c.43G>A on transcript NM_138395.4 (MANE Select); coding-DNA position 43, G replaced by A.
Protein change: p.Ala15Thr; replaces alanine 15 with threonine.
Molecular consequence: missense variant.
Genome position (GRCh38, 1-based): chr2:197,705,448, G>A. VCF-style: chr2-197705448-G-A. GRCh37 (hg19) VCF-style: chr2-198570172-G-A.
Other names: short protein forms A15T.
Identifiers: ClinVar variation 1195683 (VCV001195683.35), dbSNP rs145171191, ClinGen allele CA2044496.